The following is an entry in ClinVar:

ClinVar aggregate classification (germline): Likely benign. Review status: criteria provided, multiple submitters, no conflicts (2 of 4 stars). 2 submissions from 2 submitters: Likely benign (2). Last evaluated 2026-06-26.

Conditions:
MPZL2-related disorder. Also called: MPZL2-related condition.

Submissions (2):

PreventionGenetics, part of Exact Sciences
Classification: Likely benign for MPZL2-related condition. Last evaluated: 2026-06-26. Review status: criteria provided, single submitter. Criteria: ACMG Guidelines, 2015. Collection method: clinical testing. Allele origin: germline.
Comment: This variant is classified as likely benign based on ACMG/AMP sequence variant interpretation guidelines (Richards et al. 2015 PMID: 25741868, with internal and published modifications).

Blueprint Genetics
Classification: Likely benign. Last evaluated: 2024-09-02. Review status: criteria provided, single submitter. Criteria: ACMG Guidelines, 2015. Collection method: clinical testing. Allele origin: germline.

NM_005797.4(MPZL2):c.426C>T (p.Val142=)

Gene: MPZL2 (myelin protein zero like 2; minus strand). Cytogenetic location: 11q23.3.
Variant type: single nucleotide variant.
Coding change: c.426C>T on transcript NM_005797.4 (MANE Select); coding-DNA position 426, C replaced by T.
Protein change: p.Val142=; no amino-acid change (valine 142 retained).
Molecular consequence: synonymous variant.
Genome position (GRCh38, 1-based): chr11:118,262,448, G>A on the plus strand (C>T on the coding strand, the complement: MPZL2 is on the minus strand). VCF-style: chr11-118262448-G-A. GRCh37 (hg19) VCF-style: chr11-118133163-G-A.
Other names: c.426C>T (NM_005797.3); c.426C>T, p.Val142= (NM_144765.3).
Identifiers: ClinVar variation 4914193 (VCV004914193.2).